The following is an entry in ClinVar:

NM_021076.4(NEFH):c.2268C>G (p.Ala756=)

Gene: NEFH (neurofilament heavy chain; plus strand). Cytogenetic location: 22q12.2.
Variant type: single nucleotide variant.
Coding change: c.2268C>G on transcript NM_021076.4 (MANE Select); coding-DNA position 2268, C replaced by G.
Protein change: p.Ala756=; no amino-acid change (alanine 756 retained).
Molecular consequence: synonymous variant.
Genome position (GRCh38, 1-based): chr22:29,489,908, C>G. VCF-style: chr22-29489908-C-G. GRCh37 (hg19) VCF-style: chr22-29885897-C-G.
Identifiers: ClinVar variation 3234721 (VCV003234721.20), dbSNP rs2517978688, ClinGen allele CA514339278.

ClinVar aggregate classification (germline): Likely benign (1 of 4 stars; one submission).

Submission:

CeGaT Center for Human Genetics Tuebingen
Classification: Likely benign. Last evaluated: 2024-04-01. Review status: criteria provided, single submitter. Criteria: CeGaT Center For Human Genetics Tuebingen Variant Classification Criteria Version 2. Collection method: clinical testing. Allele origin: germline. Affected: yes. Observed: 1 variant allele.
Comment: NEFH: PM2:Supporting, BP4, BP7